The following is an entry in ClinVar:

NM_002430.3(MN1):c.2354A>G (p.Tyr785Cys)

Gene: MN1 (MN1 proto-oncogene, transcriptional regulator; minus strand). Cytogenetic location: 22q12.1.
Variant type: single nucleotide variant.
Coding change: c.2354A>G on transcript NM_002430.3 (MANE Select); coding-DNA position 2354, A replaced by G.
Protein change: p.Tyr785Cys; replaces tyrosine 785 with cysteine.
Molecular consequence: missense variant.
Genome position (GRCh38, 1-based): chr22:27,798,190, T>C on the plus strand (A>G on the coding strand, the complement: MN1 is on the minus strand). VCF-style: chr22-27798190-T-C. GRCh37 (hg19) VCF-style: chr22-28194178-T-C.
Other names: short protein forms Y785C.
Identifiers: ClinVar variation 5017551 (VCV005017551.1).

ClinVar aggregate classification (germline): Uncertain significance (1 of 4 stars; one submission).

gnomAD v4.1: 2 of 1,545,002 alleles (0.00013%); highest among the groups gnomAD compares: Admixed American, 0.002%; no homozygotes.

Submission:

GeneDx
Classification: Uncertain significance. Last evaluated: 2026-04-01. Review status: criteria provided, single submitter. Criteria: GeneDx Variant Classification Process June 2021. Collection method: clinical testing. Allele origin: germline.
Comment: In silico analysis supports that this missense variant has a deleterious effect on protein structure/function; Has not been previously published as pathogenic or benign to our knowledge